The following is an entry in ClinVar:

NM_000234.3(LIG1):c.1166C>T (p.Thr389Ile)

Gene: LIG1 (DNA ligase 1; minus strand). Cytogenetic location: 19q13.33.
Variant type: single nucleotide variant.
Coding change: c.1166C>T on transcript NM_000234.3 (MANE Select); coding-DNA position 1166, C replaced by T.
Protein change: p.Thr389Ile; replaces threonine 389 with isoleucine.
Molecular consequence: missense variant. On other transcripts: non-coding transcript variant (6).
Genome position (GRCh38, 1-based): chr19:48,137,610, G>A on the plus strand (C>T on the coding strand, the complement: LIG1 is on the minus strand). VCF-style: chr19-48137610-G-A. GRCh37 (hg19) VCF-style: chr19-48640867-G-A.
Other names: c.1073C>T, p.Thr358Ile (NM_001289063.2); c.962C>T, p.Thr321Ile (NM_001289064.2); c.1163C>T, p.Thr388Ile (NM_001320970.2); c.1076C>T, p.Thr359Ile (NM_001320971.2); short protein forms T389I, T359I, T388I, T321I, T358I.
Identifiers: ClinVar variation 2108885 (VCV002108885.3), dbSNP rs138830398, ClinGen allele CA9546933.

ClinVar aggregate classification (germline): Uncertain significance (1 of 4 stars; one submission).

Allele frequency attached by ClinVar (database versions not stated): gnomAD exomes below 0.00001; ExAC 0.00001; gnomAD 0.00002; TOPMed 0.00002; ESP Exome Variant Server 0.00008.
gnomAD v4.1: 5 of 1,612,668 alleles (0.00031%); highest among the groups gnomAD compares: African/African-American, 0.0053%; no homozygotes.

Submission:

Labcorp Genetics (formerly Invitae), Labcorp
Classification: Uncertain significance. Last evaluated: 2022-03-11. Review status: criteria provided, single submitter. Criteria: Invitae Variant Classification Sherloc (09022015). Collection method: clinical testing. Allele origin: germline.
Comment: In summary, the available evidence is currently insufficient to determine the role of this variant in disease. Therefore, it has been classified as a Variant of Uncertain Significance. Algorithms developed to predict the effect of missense changes on protein structure and function are either unavailable or do not agree on the potential impact of this missense change (SIFT: "Deleterious"; PolyPhen-2: "Possibly Damaging"; Align-GVGD: "Class C0"). This variant has not been reported in the literature in individuals affected with LIG1-related conditions. This variant is present in population databases (rs138830398, gnomAD 0.004%). This sequence change replaces threonine, which is neutral and polar, with isoleucine, which is neutral and non-polar, at codon 389 of the LIG1 protein (p.Thr389Ile).